The following is an entry in ClinVar:

ClinVar aggregate classification (germline): Pathogenic (1 of 4 stars; one submission).

Conditions:
Arrhythmogenic cardiomyopathy with wooly hair and keratoderma. Also called: Carvajal syndrome; Dilated cardiomyopathy with woolly hair and keratoderma; Arrhythmogenic cardiomyopathy with woolly hair and keratoderma; PALMOPLANTAR KERATODERMA WITH LEFT VENTRICULAR CARDIOMYOPATHY AND WOOLLY HAIR. Identifiers: Orphanet 65282, MedGen C1854063, MONDO:0011581, OMIM 605676.
Arrhythmogenic right ventricular dysplasia 8 (ARVD8). Also called: Arrhythmogenic Right Ventricular Dysplasia/Cardiomyopathy 8; ARRHYTHMOGENIC RIGHT VENTRICULAR DYSPLASIA, FAMILIAL, 8; ARRHYTHMOGENIC RIGHT VENTRICULAR CARDIOMYOPATHY 8. Identifiers: MedGen C1843896, MONDO:0011831, OMIM 607450.

Submission:

Labcorp Genetics (formerly Invitae), Labcorp
Classification: Pathogenic for Dilated cardiomyopathy with woolly hair and keratoderma; Arrhythmogenic right ventricular cardiomyopathy, type 8. Last evaluated: 2018-12-13. Review status: criteria provided, single submitter. Criteria: Invitae Variant Classification Sherloc (09022015). Collection method: clinical testing. Allele origin: germline.
Comment: This variant, c.5666_*1792delins16, is a complex sequence change that results in the disruption of the last 981 amino acids of the DSP protein (p.Glu1891Argfs*17). This variant is not present in population databases (ExAC no frequency). This variant has not been reported in the literature in individuals with DSP-related conditions. This variant disrupts the C-terminus of the DSP protein. Other variants that disrupt this region (p.7901delG) have been determined to be pathogenic (PMID: 11063735). This suggests that variants that disrupt this region of the protein are likely to be causative of disease. For these reasons, this variant has been classified as Pathogenic.

Literature cited by the submitters: PubMed 11063735.

NM_004415.2(DSP):c.5671_*1792delinsAGAGAAGAACAGTCTT

Gene: DSP (desmoplakin; plus strand). Cytogenetic location: 6p24.3.
Variant type: Indel.
Coding change: c.5671_*1792delinsAGAGAAGAACAGTCTT on transcript NM_004415.2; coding-DNA position 5671 through 1792 bases downstream of the stop codon, the reference bases replaced by AGAGAAGAACAGTCTT.
Genome position (GRCh38, 1-based): chr6:7,582,933-7,587,670, 4,738 bases replaced. GRCh37 (hg19): chr6:7,583,166-7,587,903.
Identifiers: ClinVar variation 642168 (VCV000642168.3), ClinGen allele CA915944145.